The following is an entry in ClinVar:

NM_005157.6(ABL1):c.2174G>A (p.Gly725Glu)

Gene: ABL1 (ABL proto-oncogene 1, non-receptor tyrosine kinase; plus strand). Cytogenetic location: 9q34.12.
Variant type: single nucleotide variant.
Coding change: c.2174G>A on transcript NM_005157.6 (MANE Select); coding-DNA position 2174, G replaced by A.
Protein change: p.Gly725Glu; replaces glycine 725 with glutamic acid.
Molecular consequence: missense variant.
Genome position (GRCh38, 1-based): chr9:130,884,464, G>A. VCF-style: chr9-130884464-G-A. GRCh37 (hg19) VCF-style: chr9-133759851-G-A.
Other names: c.2231G>A, p.Gly744Glu (NM_007313.3); short protein forms G725E, G744E.
Identifiers: ClinVar variation 3008902 (VCV003008902.3), dbSNP rs2490749746, ClinGen allele CA375255369.

ClinVar aggregate classification (germline): Uncertain significance (1 of 4 stars; one submission).

Allele frequency attached by ClinVar (database versions not stated): gnomAD exomes below 0.00001.
gnomAD v4.1: 3 of 1,612,996 alleles (0.00019%); highest among the groups gnomAD compares: Non-Finnish European, 0.00025%; no homozygotes.

Submission:

Labcorp Genetics (formerly Invitae), Labcorp
Classification: Uncertain significance. Last evaluated: 2023-09-20. Review status: criteria provided, single submitter. Criteria: Invitae Variant Classification Sherloc (09022015). Collection method: clinical testing. Allele origin: germline.
Comment: This variant is not present in population databases (gnomAD no frequency). In summary, the available evidence is currently insufficient to determine the role of this variant in disease. Therefore, it has been classified as a Variant of Uncertain Significance. Advanced modeling of protein sequence and biophysical properties (such as structural, functional, and spatial information, amino acid conservation, physicochemical variation, residue mobility, and thermodynamic stability) performed at Invitae indicates that this missense variant is not expected to disrupt ABL1 protein function. This variant has not been reported in the literature in individuals affected with ABL1-related conditions. This sequence change replaces glycine, which is neutral and non-polar, with glutamic acid, which is acidic and polar, at codon 744 of the ABL1 protein (p.Gly744Glu).